The following is an entry in ClinVar:

ClinVar aggregate classification (germline): Uncertain significance (1 of 4 stars; one submission).

Conditions:
Epileptic encephalopathy. Identifiers: MedGen C0543888, HP:0200134.

Allele frequency attached by ClinVar (database versions not stated): ExAC 0.00001; gnomAD exomes 0.00001; TOPMed 0.00001; gnomAD 0.00003.
gnomAD v4.1: 11 of 1,611,632 alleles (0.00068%); highest among the groups gnomAD compares: African/African-American, 0.0093%; no homozygotes.

Submission:

Labcorp Genetics (formerly Invitae), Labcorp
Classification: Uncertain significance for Epileptic encephalopathy. Last evaluated: 2025-05-07. Review status: criteria provided, single submitter. Criteria: Invitae Variant Classification Sherloc (09022015). Collection method: clinical testing. Allele origin: germline.
Comment: This sequence change replaces arginine, which is basic and polar, with cysteine, which is neutral and slightly polar, at codon 2413 of the FASN protein (p.Arg2413Cys). This variant is present in population databases (rs765469966, gnomAD 0.02%). This variant has not been reported in the literature in individuals affected with FASN-related conditions. ClinVar contains an entry for this variant (Variation ID: 1388888). An algorithm developed to predict the effect of missense changes on protein structure and function (PolyPhen-2) suggests that this variant is likely to be disruptive. In summary, the available evidence is currently insufficient to determine the role of this variant in disease. Therefore, it has been classified as a Variant of Uncertain Significance.

NM_004104.5(FASN):c.7237C>T (p.Arg2413Cys)

Genes: FASN (fatty acid synthase; minus strand), LOC129390948 (MPRA-validated peak3028 silencer; plus strand). Cytogenetic location: 17q25.3.
Variant type: single nucleotide variant.
Coding change: c.7237C>T on transcript NM_004104.5 (MANE Select); coding-DNA position 7237, C replaced by T.
Protein change: p.Arg2413Cys; replaces arginine 2413 with cysteine.
Molecular consequence: missense variant.
Genome position (GRCh38, 1-based): chr17:82,079,518, G>A on the plus strand (C>T on the coding strand, the complement: FASN is on the minus strand). VCF-style: chr17-82079518-G-A. GRCh37 (hg19) VCF-style: chr17-80037394-G-A.
Other names: short protein forms R2413C.
Identifiers: ClinVar variation 1388888 (VCV001388888.8), dbSNP rs765469966, ClinGen allele CA8851061.